The following is an entry in ClinVar:

ClinVar aggregate classification (germline): Uncertain significance (1 of 4 stars; one submission).

Conditions:
Familial sleep-related hypermotor epilepsy. Also called: Autosomal Dominant Sleep-Related Hypermotor (Hyperkinetic) Epilepsy. Identifiers: Orphanet 98784, MedGen C3696898, MONDO:0000030.

Allele frequency attached by ClinVar (database versions not stated): TOPMed below 0.00001; gnomAD 0.00001; gnomAD exomes 0.00001.
gnomAD v4.1: 14 of 1,543,718 alleles (0.00091%); highest among the groups gnomAD compares: Non-Finnish European, 0.0012%; no homozygotes.

Submission:

Labcorp Genetics (formerly Invitae), Labcorp
Classification: Uncertain significance for Familial sleep-related hypermotor epilepsy. Last evaluated: 2022-07-19. Review status: criteria provided, single submitter. Criteria: Invitae Variant Classification Sherloc (09022015). Collection method: clinical testing. Allele origin: germline.
Comment: This sequence change replaces leucine, which is neutral and non-polar, with proline, which is neutral and non-polar, at codon 3 of the PRIMA1 protein (p.Leu3Pro). This variant is not present in population databases (gnomAD no frequency). This variant has not been reported in the literature in individuals affected with PRIMA1-related conditions. ClinVar contains an entry for this variant (Variation ID: 1396213). Algorithms developed to predict the effect of missense changes on protein structure and function output the following: SIFT: "Deleterious"; PolyPhen-2: "Benign"; Align-GVGD: "Class C0". The proline amino acid residue is found in multiple mammalian species, which suggests that this missense change does not adversely affect protein function. In summary, the available evidence is currently insufficient to determine the role of this variant in disease. Therefore, it has been classified as a Variant of Uncertain Significance.

NM_178013.4(PRIMA1):c.8T>C (p.Leu3Pro)

Gene: PRIMA1 (proline rich membrane anchor 1; minus strand). Cytogenetic location: 14q32.12.
Variant type: single nucleotide variant.
Coding change: c.8T>C on transcript NM_178013.4 (MANE Select); coding-DNA position 8, T replaced by C.
Protein change: p.Leu3Pro; replaces leucine 3 with proline.
Molecular consequence: missense variant.
Genome position (GRCh38, 1-based): chr14:93,787,711, A>G on the plus strand (T>C on the coding strand, the complement: PRIMA1 is on the minus strand). VCF-style: chr14-93787711-A-G. GRCh37 (hg19) VCF-style: chr14-94254057-A-G.
Other names: short protein forms L3P.
Identifiers: ClinVar variation 1396213 (VCV001396213.5), dbSNP rs1365665298, ClinGen allele CA391147071.